The following is an entry in ClinVar:

ClinVar aggregate classification (germline): Pathogenic/Likely pathogenic. Review status: criteria provided, multiple submitters, no conflicts (2 of 4 stars). 4 submissions from 4 submitters: Pathogenic (2); Likely pathogenic (1). 1 of the submissions does not count toward it. Last evaluated 2025-10-14.

Conditions:
Primary hyperoxaluria, type I (HP1). Also called: GLYCOLIC ACIDURIA; HEPATIC AGT DEFICIENCY; OXALOSIS I; Primary hyperoxaluria type 1. Identifiers: Orphanet 416, Orphanet 93598, MedGen C0268164, MONDO:0009823, OMIM 259900. Disease mechanism: loss of function.

Allele frequency attached by ClinVar (database versions not stated): gnomAD exomes below 0.00001.
gnomAD v4.1: 1 of 1,613,894 alleles (0.000062%); highest among the groups gnomAD compares: East Asian, 0.0022%; no homozygotes.

Submissions (4):

Myriad Genetics, Inc.
Classification: Likely pathogenic for Primary hyperoxaluria, type I. Last evaluated: 2025-10-14. Review status: criteria provided, single submitter. Criteria: Myriad Autosomal Dominant, Autosomal Recessive and X-Linked Classification Criteria (2023). Collection method: clinical testing. Allele origin: unknown.
Comment: NM_000030.2(AGXT):c.244G>C(G82R) is a missense variant classified as likely pathogenic in the context of primary hyperoxaluria type 1. G82R has been observed in cases with relevant disease (PMID: 15253729, 35812297, 27935012). Relevant functional assessments of this variant are not available in the literature. G82R has been observed in referenced population frequency databases. In summary, NM_000030.2(AGXT):c.244G>C(G82R) is a missense variant that has been observed more frequently in cases with the relevant disease than in healthy populations. Please note: this variant was assessed in the context of healthy population screening.

Baylor Genetics
Classification: Pathogenic for Primary hyperoxaluria, type I. Last evaluated: 2023-07-06. Review status: criteria provided, single submitter. Criteria: ACMG Guidelines, 2015. Collection method: clinical testing. Allele origin: unknown.

Labcorp Genetics (formerly Invitae), Labcorp
Classification: Pathogenic. Last evaluated: 2021-05-19. Review status: criteria provided, single submitter. Criteria: Invitae Variant Classification Sherloc (09022015). Collection method: clinical testing. Allele origin: germline.
Comment: Experimental studies have shown that this variant affects AGXT protein function (PMID: 24718375, 22923379). For these reasons, this variant has been classified as Pathogenic. Advanced modeling of protein sequence and biophysical properties (such as structural, functional, and spatial information, amino acid conservation, physicochemical variation, residue mobility, and thermodynamic stability) performed at Invitae indicates that this missense variant is expected to disrupt AGXT protein function. This variant has been observed in individual(s) with primary hyperoxaluria type 1 (PMID: 15253729). ClinVar contains an entry for this variant (Variation ID: 204084). This variant is not present in population databases (ExAC no frequency). This sequence change replaces glycine with arginine at codon 82 of the AGXT protein (p.Gly82Arg). The glycine residue is highly conserved and there is a moderate physicochemical difference between glycine and arginine.

Clinical Biochemistry Laboratory, Health Services Laboratory
Classification: Pathogenic for Primary hyperoxaluria, type I. Last evaluated: 2014-11-27. Review status: no assertion criteria provided. Collection method: in vitro. Allele origin: germline. Affected: yes. Not counted in ClinVar's aggregate classification.

Literature cited by the submitters: PubMed 15253729 (cited by 3 submitters); PubMed 27935012 (cited by Myriad Genetics, Inc.); PubMed 35812297 (cited by Myriad Genetics, Inc.); PubMed 24718375 (cited by Labcorp Genetics (formerly Invitae), Labcorp and Clinical Biochemistry Laboratory, Health Services Laboratory); PubMed 22923379 (cited by Labcorp Genetics (formerly Invitae), Labcorp); PubMed 10960483 (cited by Clinical Biochemistry Laboratory, Health Services Laboratory).

NM_000030.3(AGXT):c.244G>C (p.Gly82Arg)

Gene: AGXT (alanine--glyoxylate aminotransferase; plus strand). Cytogenetic location: 2q37.3.
Variant type: single nucleotide variant.
Coding change: c.244G>C on transcript NM_000030.3 (MANE Select); coding-DNA position 244, G replaced by C.
Protein change: p.Gly82Arg; replaces glycine 82 with arginine.
Molecular consequence: missense variant.
Genome position (GRCh38, 1-based): chr2:240,869,248, G>C. VCF-style: chr2-240869248-G-C. GRCh37 (hg19) VCF-style: chr2-241808665-G-C.
Other names: short protein forms G82R.
Identifiers: ClinVar variation 204084 (VCV000204084.11), dbSNP rs180177185, ClinGen allele CA275654.